The following is an entry in ClinVar:

ClinVar aggregate classification (germline): Uncertain significance. Review status: criteria provided, multiple submitters, no conflicts (2 of 4 stars). 3 submissions from 3 submitters: Uncertain significance (3). Last evaluated 2024-03-06.

Conditions:
Aortic aneurysm, familial thoracic 4 (AAT4). Also called: AORTIC ANEURYSM/AORTIC DISSECTION AND PATENT DUCTUS ARTERIOSUS. Identifiers: MedGen C1851504, MONDO:0007568, OMIM 132900.
Familial thoracic aortic aneurysm and aortic dissection (TAAD). Also called: Thoracic aortic aneurysms and dissections. Identifiers: Orphanet 91387, MedGen C4707243, MONDO:0019625.

Allele frequency attached by ClinVar (database versions not stated): gnomAD 0.00001; TOPMed 0.00001.
gnomAD v4.1: 7 of 1,613,928 alleles (0.00043%); highest among the groups gnomAD compares: African/African-American, 0.0027%; no homozygotes.

Submissions (3):

Color Diagnostics, LLC DBA Color Health
Classification: Uncertain significance for Familial thoracic aortic aneurysm and aortic dissection. Last evaluated: 2024-03-06. Review status: criteria provided, single submitter. Criteria: ACMG Guidelines, 2015. Collection method: clinical testing. Allele origin: germline.
Comment: This missense variant replaces arginine with histidine at codon 1926 of the MYH11 protein. Computational prediction suggests that this variant may have a deleterious impact on protein structure and function (internally defined REVEL score threshold >= 0.7, PMID: 27666373). To our knowledge, functional studies have not been reported for this variant. This variant has not been reported in individuals affected with MYH11-related disorders in the literature. This variant has been identified in 2/281978 chromosomes in the general population by the Genome Aggregation Database (gnomAD). The available evidence is insufficient to determine the role of this variant in disease conclusively. Therefore, this variant is classified as a Variant of Uncertain Significance.

All of Us Research Program, National Institutes of Health
Classification: Uncertain significance for Familial thoracic aortic aneurysm and aortic dissection. Last evaluated: 2023-08-14. Review status: criteria provided, single submitter. Criteria: ACMG Guidelines, 2015. Collection method: clinical testing. Allele origin: germline. Inheritance: Autosomal dominant inheritance. Observed: 1 variant allele, 1 heterozygote.
Comment: This missense variant replaces arginine with histidine at codon 1926 of the MYH11 protein. Computational prediction tools and conservation analyses suggest that this variant may have deleterious impact on the protein function. Computational splicing tools suggest that this variant may not impact RNA splicing. To our knowledge, functional assays have not been performed for this variant nor has this variant been reported in individuals affected with cardiovascular disorders in the literature. This variant has been identified in 2/281978 chromosomes in the general population by the Genome Aggregation Database (gnomAD). Available evidence is insufficient to determine the role of this variant in disease conclusively. Therefore, this variant is classified as a Variant of Uncertain Significance.

This study involves interpretation of variants in research participants for the purpose of population health screening. Participant phenotype was not available at the time of variant classification. Additional details can be found in publication PMID: 35346344, PMCID: PMC8962531

Labcorp Genetics (formerly Invitae), Labcorp
Classification: Uncertain significance for Aortic aneurysm, familial thoracic 4. Last evaluated: 2022-10-30. Review status: criteria provided, single submitter. Criteria: Invitae Variant Classification Sherloc (09022015). Collection method: clinical testing. Allele origin: germline.
Comment: In summary, the available evidence is currently insufficient to determine the role of this variant in disease. Therefore, it has been classified as a Variant of Uncertain Significance. Advanced modeling of protein sequence and biophysical properties (such as structural, functional, and spatial information, amino acid conservation, physicochemical variation, residue mobility, and thermodynamic stability) performed at Invitae indicates that this missense variant is not expected to disrupt MYH11 protein function. ClinVar contains an entry for this variant (Variation ID: 921354). This variant has not been reported in the literature in individuals affected with MYH11-related conditions. This variant is present in population databases (no rsID available, gnomAD 0.004%). This sequence change replaces arginine, which is basic and polar, with histidine, which is basic and polar, at codon 1926 of the MYH11 protein (p.Arg1926His).

NM_002474.3(MYH11):c.5756G>A (p.Arg1919His)

Genes: MYH11 (myosin heavy chain 11; minus strand), NDE1 (nudE neurodevelopment protein 1; plus strand). Cytogenetic location: 16p13.11.
Variant type: single nucleotide variant.
Coding change: c.5756G>A on transcript NM_002474.3 (MANE Select); coding-DNA position 5756, G replaced by A.
Protein change: p.Arg1919His; replaces arginine 1919 with histidine.
Molecular consequence: missense variant. On other transcripts: intron variant (2).
Genome position (GRCh38, 1-based): chr16:15,714,939, C>T on the plus strand (G>A on the coding strand, the complement: MYH11 is on the minus strand). VCF-style: chr16-15714939-C-T. GRCh37 (hg19) VCF-style: chr16-15808796-C-T.
Other names: c.5777G>A, p.Arg1926His (NM_001040113.2, NM_001040114.2); c.5756G>A, p.Arg1919His (NM_022844.3); c.948-9252C>T (NM_001143979.2, NM_017668.3); short protein forms R1926H, R1919H.
Identifiers: ClinVar variation 921354 (VCV000921354.11), dbSNP rs1284202501, ClinGen allele CA394846333.